The following is an entry in ClinVar:

NM_006842.3(SF3B2):c.40C>T (p.Gln14Ter)

Genes: SF3B2 (splicing factor 3b subunit 2; plus strand), LOC130006094 (ATAC-STARR-seq lymphoblastoid active region 5028; plus strand). Cytogenetic location: 11q13.1.
Variant type: single nucleotide variant.
Coding change: c.40C>T on transcript NM_006842.3 (MANE Select); coding-DNA position 40, C replaced by T.
Protein change: p.Gln14Ter; replaces glutamine 14 with a stop codon.
Molecular consequence: nonsense.
Genome position (GRCh38, 1-based): chr11:66,052,424, C>T. VCF-style: chr11-66052424-C-T. GRCh37 (hg19) VCF-style: chr11-65819895-C-T.
Other names: short protein forms Q14*.
Identifiers: ClinVar variation 3573539 (VCV003573539.1).

ClinVar aggregate classification (germline): Pathogenic (1 of 4 stars; one submission).

gnomAD v4.1: 1 of 1,613,100 alleles (0.000062%); highest among the groups gnomAD compares: African/African-American, 0.0013%; no homozygotes.

Submission:

GeneDx
Classification: Pathogenic. Last evaluated: 2024-07-17. Review status: criteria provided, single submitter. Criteria: GeneDx Variant Classification Process June 2021. Collection method: clinical testing. Allele origin: germline. Affected: yes.
Comment: Nonsense variant predicted to result in protein truncation or nonsense mediated decay in a gene for which loss of function is a known mechanism of disease; Not observed at significant frequency in large population cohorts (gnomAD); Has not been previously published as pathogenic or benign to our knowledge